The following is an entry in ClinVar:

ClinVar aggregate classification (germline): Conflicting classifications of pathogenicity. Review status: criteria provided, conflicting classifications (1 of 4 stars). 9 submissions from 9 submitters: Uncertain significance (7); Benign (1). 1 of the submissions does not count toward it. Last evaluated 2026-01-27.

Conditions:
Hereditary cancer-predisposing syndrome. Also called: Hereditary Cancer Syndrome; Neoplastic Syndromes, Hereditary; Tumor predisposition; Hereditary neoplastic syndrome. Identifiers: Orphanet 140162, MedGen C0027672, MeSH D009386, MONDO:0015356.
Juvenile polyposis syndrome (JPS). Identifiers: Orphanet 2929, MedGen C0345893, MONDO:0017380, OMIM 174900.
Polyposis syndrome, hereditary mixed, 2. Identifiers: Orphanet 157794, MedGen C1864730, MONDO:0012405, OMIM 610069.

Allele frequency attached by ClinVar (database versions not stated): gnomAD exomes 0.00004; TOPMed 0.00008.
gnomAD v4.1: 11 of 1,613,952 alleles (0.00068%); highest among the groups gnomAD compares: Admixed American, 0.018%; no homozygotes.

Submissions (9):

Labcorp Genetics (formerly Invitae), Labcorp
Classification: Uncertain significance for Juvenile polyposis syndrome. Last evaluated: 2026-01-27. Review status: criteria provided, single submitter. Criteria: Invitae Variant Classification Sherloc (09022015). Collection method: clinical testing. Allele origin: germline.
Comment: This sequence change replaces glycine, which is neutral and non-polar, with glutamic acid, which is acidic and polar, at codon 47 of the BMPR1A protein (p.Gly47Glu). This variant is present in population databases (rs368595543, gnomAD 0.02%). This variant has not been reported in the literature in individuals affected with BMPR1A-related conditions. ClinVar contains an entry for this variant (Variation ID: 186884). Invitae Evidence Modeling incorporating data from in vitro experimental studies (internal data) indicates that this missense variant is not expected to disrupt BMPR1A function with a negative predictive value of 95%. In summary, the available evidence is currently insufficient to determine the role of this variant in disease. Therefore, it has been classified as a Variant of Uncertain Significance.

Quest Diagnostics Nichols Institute San Juan Capistrano
Classification: Uncertain significance. Last evaluated: 2024-11-27. Review status: criteria provided, single submitter. Criteria: Quest Diagnostics criteria. Collection method: clinical testing. Allele origin: unknown.
Comment: The BMPR1A c.140G>A (p.Gly47Glu) variant has not been reported in individuals with BMPR1A-related conditions in the published literature. The frequency of this variant in the general population, 0.00026 (9/34590 chromosomes in Admixed American subpopulation (Genome Aggregation Database)), is higher than would generally be expected for pathogenic variants in this gene. Analysis of this variant using bioinformatics tools for the prediction of the effect of amino acid changes on protein structure and function yielded conflicting predictions that this variant is deleterious or benign. Based on the available information, we are unable to determine the clinical significance of this variant.

All of Us Research Program, National Institutes of Health
Classification: Uncertain significance for Juvenile polyposis syndrome. Last evaluated: 2024-02-05. Review status: criteria provided, single submitter. Criteria: ACMG Guidelines, 2015. Collection method: clinical testing. Allele origin: germline. Inheritance: Autosomal dominant inheritance. Observed: 4 variant alleles, 4 heterozygotes.
Comment: This missense variant replaces glycine with glutamic acid at codon 47 of the BMPR1A protein. Computational prediction suggests that this variant may not impact protein structure and function (internally defined REVEL score threshold <= 0.5, PMID: 27666373). To our knowledge, functional studies have not been reported for this variant. This variant has not been reported in individuals affected with BMPR1A-related disorders in the literature. This variant has been identified in 9/251408 chromosomes in the general population by the Genome Aggregation Database (gnomAD). The available evidence is insufficient to determine the role of this variant in disease conclusively. Therefore, this variant is classified as a Variant of Uncertain Significance.

This study involves interpretation of variants in research participants for the purpose of population health screening. Participant phenotype was not available at the time of variant classification. Additional details can be found in publication PMID: 35346344, PMCID: PMC8962531

Color Diagnostics, LLC DBA Color Health
Classification: Uncertain significance for Hereditary cancer-predisposing syndrome. Last evaluated: 2023-09-20. Review status: criteria provided, single submitter. Criteria: ACMG Guidelines, 2015. Collection method: clinical testing. Allele origin: germline.
Comment: This missense variant replaces glycine with glutamic acid at codon 47 of the BMPR1A protein. Computational prediction suggests that this variant may not impact protein structure and function (internally defined REVEL score threshold <= 0.5, PMID: 27666373). To our knowledge, functional studies have not been reported for this variant. This variant has not been reported in individuals affected with BMPR1A-related disorders in the literature. This variant has been identified in 9/251408 chromosomes in the general population by the Genome Aggregation Database (gnomAD). The available evidence is insufficient to determine the role of this variant in disease conclusively. Therefore, this variant is classified as a Variant of Uncertain Significance.

GeneDx
Classification: Uncertain significance. Last evaluated: 2023-08-25. Review status: criteria provided, single submitter. Criteria: GeneDx Variant Classification Process June 2021. Collection method: clinical testing. Allele origin: germline. Affected: yes.
Comment: In silico analysis supports that this missense variant does not alter protein structure/function; Has not been previously published as pathogenic or benign to our knowledge

Baylor Genetics
Classification: Uncertain significance for Polyposis syndrome, hereditary mixed, 2. Last evaluated: 2023-08-05. Review status: criteria provided, single submitter. Criteria: ACMG Guidelines, 2015. Collection method: clinical testing. Allele origin: unknown.

Ambry Genetics
Classification: Benign for Hereditary cancer-predisposing syndrome. Last evaluated: 2023-05-15. Review status: criteria provided, single submitter. Criteria: Ambry Variant Classification Scheme 2023. Collection method: clinical testing. Allele origin: germline.

Myriad Genetics, Inc.
Classification: Uncertain significance for Juvenile polyposis syndrome. Last evaluated: 2023-03-02. Review status: criteria provided, single submitter. Criteria: Myriad Autosomal Dominant, Autosomal Recessive and X-Linked Classification Criteria (2023). Collection method: clinical testing. Allele origin: unknown.
Comment: This variant is classified as a variant of uncertain significance as there is insufficient evidence to determine its impact on protein function and/or cancer risk.

Counsyl
Classification: Uncertain significance for Juvenile polyposis syndrome. Last evaluated: 2017-11-27. Review status: no assertion criteria provided. Collection method: clinical testing. Allele origin: unknown. Not counted in ClinVar's aggregate classification.

NM_004329.3(BMPR1A):c.140G>A (p.Gly47Glu)

Gene: BMPR1A (bone morphogenetic protein receptor type 1A; plus strand). Cytogenetic location: 10q23.2.
Variant type: single nucleotide variant.
Coding change: c.140G>A on transcript NM_004329.3 (MANE Select); coding-DNA position 140, G replaced by A.
Protein change: p.Gly47Glu; replaces glycine 47 with glutamic acid.
Molecular consequence: missense variant.
Genome position (GRCh38, 1-based): chr10:86,890,134, G>A. VCF-style: chr10-86890134-G-A. GRCh37 (hg19) VCF-style: chr10-88649891-G-A.
Other names: short protein forms G47E.
Identifiers: ClinVar variation 186884 (VCV000186884.28), dbSNP rs368595543, ClinGen allele CA196132.